The following is an entry in ClinVar:

ClinVar aggregate classification (germline): Uncertain significance (1 of 4 stars; one submission).

Conditions:
Polyglandular autoimmune syndrome, type 1 (APS1). Also called: AUTOIMMUNE POLYENDOCRINE SYNDROME, TYPE I, WITH OR WITHOUT REVERSIBLE METAPHYSEAL DYSPLASIA; APS I; HYPOADRENOCORTICISM WITH HYPOPARATHYROIDISM AND SUPERFICIAL MONILIASIS; PGA I; Autoimmune polyendocrine syndrome type 1; Autoimmune polyendocrinopathy syndrome, type I. Identifiers: Orphanet 3453, MedGen C0085859, MONDO:0009411, OMIM 240300.

gnomAD v4.1: 1 of 1,612,518 alleles (0.000062%); highest among the groups gnomAD compares: South Asian, 0.0011%; no homozygotes.

Submission:

Labcorp Genetics (formerly Invitae), Labcorp
Classification: Uncertain significance for Polyglandular autoimmune syndrome, type 1. Last evaluated: 2024-06-21. Review status: criteria provided, single submitter. Criteria: Invitae Variant Classification Sherloc (09022015). Collection method: clinical testing. Allele origin: germline.
Comment: This sequence change replaces arginine, which is basic and polar, with glycine, which is neutral and non-polar, at codon 538 of the AIRE protein (p.Arg538Gly). This variant is not present in population databases (gnomAD no frequency). This variant has not been reported in the literature in individuals affected with AIRE-related conditions. Advanced modeling of protein sequence and biophysical properties (such as structural, functional, and spatial information, amino acid conservation, physicochemical variation, residue mobility, and thermodynamic stability) has been performed at Invitae for this missense variant, however the output from this modeling did not meet the statistical confidence thresholds required to predict the impact of this variant on AIRE protein function. In summary, the available evidence is currently insufficient to determine the role of this variant in disease. Therefore, it has been classified as a Variant of Uncertain Significance.

NM_000383.4(AIRE):c.1612C>G (p.Arg538Gly)

Gene: AIRE (autoimmune regulator; plus strand). Cytogenetic location: 21q22.3.
Variant type: single nucleotide variant.
Coding change: c.1612C>G on transcript NM_000383.4 (MANE Select); coding-DNA position 1612, C replaced by G.
Protein change: p.Arg538Gly; replaces arginine 538 with glycine.
Molecular consequence: missense variant.
Genome position (GRCh38, 1-based): chr21:44,297,701, C>G. VCF-style: chr21-44297701-C-G. GRCh37 (hg19) VCF-style: chr21-45717584-C-G.
Other names: short protein forms R538G.
Identifiers: ClinVar variation 3693366 (VCV003693366.2).